The following is an entry in ClinVar:

ClinVar aggregate classification (germline): Likely benign. Review status: criteria provided, single submitter (1 of 4 stars). 2 submissions from 2 submitters: Likely benign (1). 1 of the submissions does not count toward it. Last evaluated 2023-12-29.

Conditions:
EIF2B5-related disorder. Also called: EIF2B5-related condition.

Allele frequency attached by ClinVar (database versions not stated): gnomAD 0.00003; TOPMed 0.00003.

Submissions (2):

Labcorp Genetics (formerly Invitae), Labcorp
Classification: Likely benign. Last evaluated: 2023-12-29. Review status: criteria provided, single submitter. Criteria: Invitae Variant Classification Sherloc (09022015). Collection method: clinical testing. Allele origin: germline.

PreventionGenetics, part of Exact Sciences
Classification: Likely benign for EIF2B5-related condition. Last evaluated: 2024-09-16. Review status: no assertion criteria provided. Collection method: clinical testing. Allele origin: germline. Not counted in ClinVar's aggregate classification.
Comment: This variant is classified as likely benign based on ACMG/AMP sequence variant interpretation guidelines (Richards et al. 2015 PMID: 25741868, with internal and published modifications).

NM_003907.3(EIF2B5):c.1745+8C>A

Gene: EIF2B5 (eukaryotic translation initiation factor 2B subunit epsilon; plus strand). Cytogenetic location: 3q27.1.
Variant type: single nucleotide variant.
Coding change: c.1745+8C>A on transcript NM_003907.3 (MANE Select); 8 bases into the intron after coding-DNA position 1745, C replaced by A.
Molecular consequence: intron variant.
Genome position (GRCh38, 1-based): chr3:184,143,150, C>A. VCF-style: chr3-184143150-C-A. GRCh37 (hg19) VCF-style: chr3-183860938-C-A.
Other names: c.1745+8C>A (NM_003907.2).
Identifiers: ClinVar variation 2741193 (VCV002741193.4), dbSNP rs956053179, ClinGen allele CA88843818.